The following is an entry in ClinVar:

NM_000554.6(CRX):c.750del (p.Thr251fs)

Gene: CRX (cone-rod homeobox; plus strand). Cytogenetic location: 19q13.33.
Variant type: Deletion.
Coding change: c.750del on transcript NM_000554.6 (MANE Select); coding-DNA position 750, one base deleted (C; older notation c.750delC).
Protein change: p.Thr251fs; shifts the reading frame from threonine 251.
Molecular consequence: frameshift variant.
Genome position (GRCh38, 1-based): chr19:47,839,817, C deleted; the last of 5 consecutive C bases (chr19:47,839,813-47,839,817); deleting any one gives the same sequence. VCF-style (leftmost placement, unchanged base first): chr19-47839812-TC-T. GRCh37 (hg19) VCF-style: chr19-48343069-TC-T.
Other names: short protein forms T251fs.
Identifiers: ClinVar variation 1418367 (VCV001418367.6), dbSNP rs2123743577, ClinGen allele CA2573156497.
Genomic context (GRCh38, chr19:47,839,812, plus strand): 5'-CTAGGGGGCCCGGCTCTTAGCCCCCTCTCTGGCCCCTCCGTGGGACCTTCCCTGGCCCAG[TC>T]CCCCACCTCCCTATCAGGCCAGAGCTATGGCGCCTACAGCCCCGTGGATAGCTTGGAATT-3'

ClinVar aggregate classification (germline): Pathogenic (1 of 4 stars; one submission).

Conditions:
Leber congenital amaurosis 7 (LCA7). Identifiers: Orphanet 65, MedGen C3151192, MONDO:0013449, OMIM 613829.
Cone-rod dystrophy 2 (CORD2). Also called: CONE-ROD RETINAL DYSTROPHY; Cone-rod retinal dystrophy 2. Identifiers: Orphanet 1872, MedGen C3489532, MONDO:0007362, OMIM 120970.

Submission:

Labcorp Genetics (formerly Invitae), Labcorp
Classification: Pathogenic for Cone-rod dystrophy 2; Leber congenital amaurosis 7. Last evaluated: 2024-10-29. Review status: criteria provided, single submitter. Criteria: Invitae Variant Classification Sherloc (09022015). Collection method: clinical testing. Allele origin: germline.
Comment: This sequence change results in a frameshift in the CRX gene (p.Thr251Profs*120). While this is not anticipated to result in nonsense mediated decay, it is expected to disrupt the last 49 amino acid(s) of the CRX protein and extend the protein by 70 additional amino acid residues. This variant is not present in population databases (gnomAD no frequency). This frameshift has been observed in individual(s) with autosomal dominant Leber congenital amaurosis (internal data). ClinVar contains an entry for this variant (Variation ID: 1418367). This variant disrupts a region of the CRX protein in which other variant(s) (p.Tyr258*) have been determined to be pathogenic (PMID: 22968130, 25270190). This suggests that this is a clinically significant region of the protein, and that variants that disrupt it are likely to be disease-causing. For these reasons, this variant has been classified as Pathogenic.

Literature cited by the submitters: PubMed 22968130; PubMed 25270190.